The following is an entry in ClinVar:

ClinVar aggregate classification (germline): Uncertain significance. Review status: criteria provided, multiple submitters, no conflicts (2 of 4 stars). 3 submissions from 3 submitters: Uncertain significance (3). Last evaluated 2025-08-19.

Allele frequency attached by ClinVar (database versions not stated): ExAC 0.00004; gnomAD exomes 0.00007; TOPMed 0.00012; gnomAD 0.00014; 1000 Genomes Project 0.00020; 1000 Genomes Project 30x 0.00031.
gnomAD v4.1: 168 of 1,613,920 alleles (0.01%); highest among the groups gnomAD compares: African/African-American, 0.031%; no homozygotes.

Submissions (3):

Women's Health and Genetics/Laboratory Corporation of America, LabCorp
Classification: Uncertain significance. Last evaluated: 2025-08-19. Review status: criteria provided, single submitter. Criteria: LabCorp Variant Classification Summary - May 2015. Collection method: clinical testing. Allele origin: germline.
Comment: Variant summary: CUL7 c.1981C>T (p.Arg661Trp) results in a non-conservative amino acid change in the encoded protein sequence. Algorithms developed to predict the effect of missense changes on protein structure and function are either unavailable or do not agree on the potential impact of this missense change. The variant allele was found at a frequency of 6.8e-05 in 250194 control chromosomes. This frequency is not significantly higher than estimated for a pathogenic variant in CUL7 causing Three M Syndrome 1 (6.8e-05 vs 0.0011), allowing no conclusion about variant significance. c.1981C>T has been observed in one individuals affected with mitochondrial disorders, without strong evidence for causality (vanderVen_2021). These report(s) do not provide unequivocal conclusions about association of the variant with Three M Syndrome 1. To our knowledge, no experimental evidence demonstrating an impact on protein function has been reported. The following publication has been ascertained in the context of this evaluation (PMID: 34490615). ClinVar contains an entry for this variant (Variation ID: 1355662). Based on the evidence outlined above, the variant was classified as uncertain significance.

Blueprint Genetics
Classification: Uncertain significance. Last evaluated: 2024-07-06. Review status: criteria provided, single submitter. Criteria: ACMG Guidelines, 2015. Collection method: clinical testing. Allele origin: germline.

Labcorp Genetics (formerly Invitae), Labcorp
Classification: Uncertain significance. Last evaluated: 2022-08-05. Review status: criteria provided, single submitter. Criteria: Invitae Variant Classification Sherloc (09022015). Collection method: clinical testing. Allele origin: germline.
Comment: This sequence change replaces arginine, which is basic and polar, with tryptophan, which is neutral and slightly polar, at codon 661 of the CUL7 protein (p.Arg661Trp). This variant is present in population databases (rs199607543, gnomAD 0.03%). This variant has not been reported in the literature in individuals affected with CUL7-related conditions. ClinVar contains an entry for this variant (Variation ID: 1355662). Algorithms developed to predict the effect of missense changes on protein structure and function are either unavailable or do not agree on the potential impact of this missense change (SIFT: "Deleterious"; PolyPhen-2: "Possibly Damaging"; Align-GVGD: "Class C0"). In summary, the available evidence is currently insufficient to determine the role of this variant in disease. Therefore, it has been classified as a Variant of Uncertain Significance.

Literature cited by the submitters: PubMed 34490615 (cited by Women's Health and Genetics/Laboratory Corporation of America, LabCorp).

NM_014780.5(CUL7):c.1981C>T (p.Arg661Trp)

Gene: CUL7 (cullin 7; minus strand). Cytogenetic location: 6p21.1.
Variant type: single nucleotide variant.
Coding change: c.1981C>T on transcript NM_014780.5 (MANE Select); coding-DNA position 1981, C replaced by T.
Protein change: p.Arg661Trp; replaces arginine 661 with tryptophan.
Molecular consequence: missense variant.
Genome position (GRCh38, 1-based): chr6:43,048,414, G>A on the plus strand (C>T on the coding strand, the complement: CUL7 is on the minus strand). VCF-style: chr6-43048414-G-A. GRCh37 (hg19) VCF-style: chr6-43016152-G-A.
Other names: c.2077C>T, p.Arg693Trp (NM_001168370.2, NM_001374872.1); c.1981C>T, p.Arg661Trp (NM_001374873.1, NM_001374874.1); short protein forms R693W, R661W.
Identifiers: ClinVar variation 1355662 (VCV001355662.6), dbSNP rs199607543, ClinGen allele CA3814030.